The following is an entry in ClinVar:

ClinVar aggregate classification (germline): Benign. Review status: criteria provided, multiple submitters, no conflicts (2 of 4 stars). 7 submissions from 7 submitters: Benign (6). 1 of the submissions does not count toward it. Last evaluated 2026-02-04.

Conditions:
Familial dysautonomia. Also called: FD; HSAN III. Identifiers: Orphanet 1764, MedGen C0013364, MONDO:0009131, OMIM 223900. Disease mechanism: loss of function.

Allele frequency attached by ClinVar (database versions not stated): gnomAD exomes 0.12013 and 0.14254; ExAC 0.14326; gnomAD 0.18152 and 0.18606; ESP Exome Variant Server 0.18645; 1000 Genomes Project 0.18970; TOPMed 0.19304; 1000 Genomes Project 30x 0.19706.
gnomAD v4.1: 202,629 of 1,610,484 alleles (13%); highest among the groups gnomAD compares: African/African-American, 33%; 15,406 homozygotes.

Submissions (7):

Labcorp Genetics (formerly Invitae), Labcorp
Classification: Benign. Last evaluated: 2026-02-04. Review status: criteria provided, single submitter. Criteria: Invitae Variant Classification Sherloc (09022015). Collection method: clinical testing. Allele origin: germline.

Mayo Clinic Laboratories, Mayo Clinic
Classification: Benign. Last evaluated: 2021-04-25. Review status: criteria provided, single submitter. Criteria: ACMG Guidelines, 2015. Collection method: clinical testing. Allele origin: germline. Observed: 410 variant alleles.

Illumina Laboratory Services, Illumina
Classification: Benign for Familial dysautonomia. Last evaluated: 2018-01-13. Review status: criteria provided, single submitter. Criteria: ICSL Variant Classification Criteria 13 December 2019. Collection method: clinical testing. Allele origin: germline.
Comment: This variant was observed in the ICSL laboratory as part of a predisposition screen in an ostensibly healthy population. It had not been previously curated by ICSL or reported in the Human Gene Mutation Database (HGMD: prior to June 1st, 2018), and was therefore a candidate for classification through an automated scoring system. Utilizing variant allele frequency, disease prevalence and penetrance estimates, and inheritance mode, an automated score was calculated to assess if this variant is too frequent to cause the disease. Based on the score and internal cut-off values, a variant classified as benign is not then subjected to further curation. The score for this variant resulted in a classification of benign for this disease.

GeneDx
Classification: Benign. Last evaluated: 2014-03-07. Review status: criteria provided, single submitter. Criteria: GeneDx Variant Classification (06012015). Collection method: clinical testing. Allele origin: germline. Affected: yes.
Comment: This variant is considered likely benign or benign based on one or more of the following criteria: it is a conservative change, it occurs at a poorly conserved position in the protein, it is predicted to be benign by multiple in silico algorithms, and/or has population frequency not consistent with disease.

Breakthrough Genomics
Classification: Benign. Review status: criteria provided, single submitter. Criteria: ACMG Guidelines, 2015. Collection method: not provided. Allele origin: germline. Inheritance: Autosomal recessive inheritance. Affected: yes.

PreventionGenetics, part of Exact Sciences
Classification: Benign. Review status: criteria provided, single submitter. Criteria: ACMG Guidelines, 2015. Collection method: clinical testing. Allele origin: germline.

Natera, Inc.
Classification: Benign for Familial dysautonomia. Last evaluated: 2017-08-09. Review status: no assertion criteria provided. Collection method: clinical testing. Allele origin: germline. Not counted in ClinVar's aggregate classification.

NM_003640.5(ELP1):c.3285+9C>T

Gene: ELP1 (elongator acetyltransferase complex subunit 1; minus strand). Cytogenetic location: 9q31.3.
Variant type: single nucleotide variant.
Coding change: c.3285+9C>T on transcript NM_003640.5 (MANE Select); 9 bases into the intron after coding-DNA position 3285, C replaced by T.
Molecular consequence: intron variant.
Genome position (GRCh38, 1-based): chr9:108,882,116, G>A on the plus strand (C>T on the coding strand, the complement: ELP1 is on the minus strand). VCF-style: chr9-108882116-G-A. GRCh37 (hg19) VCF-style: chr9-111644396-G-A.
Other names: p.?; c.3285+9C>T (LRG_251t1); c.2943+9C>T (NM_001318360.2); c.2238+9C>T (NM_001330749.2).
Identifiers: ClinVar variation 137582 (VCV000137582.22), dbSNP rs2275495, ClinGen allele CA291236.